The following is an entry in ClinVar:

ClinVar aggregate classification (germline): Uncertain significance (1 of 4 stars; one submission).

Conditions:
Hereditary cancer-predisposing syndrome. Also called: Hereditary Cancer Syndrome; Tumor predisposition; Hereditary neoplastic syndrome; Neoplastic Syndromes, Hereditary. Identifiers: Orphanet 140162, MedGen C0027672, MeSH D009386, MONDO:0015356.

Submission:

Ambry Genetics
Classification: Uncertain significance for Hereditary cancer-predisposing syndrome. Last evaluated: 2024-03-21. Review status: criteria provided, single submitter. Criteria: Ambry Variant Classification Scheme 2023. Collection method: clinical testing. Allele origin: germline.
Comment: The p.S583P variant (also known as c.1747T>C), located in coding exon 14 of the BAP1 gene, results from a T to C substitution at nucleotide position 1747. The serine at codon 583 is replaced by proline, an amino acid with similar properties. This amino acid position is conserved. In addition, this alteration is predicted to be tolerated by in silico analysis. Based on the available evidence, the clinical significance of this alteration remains unclear.

NM_004656.4(BAP1):c.1747T>C (p.Ser583Pro)

Gene: BAP1 (BRCA1 associated deubiquitinase 1; minus strand). Cytogenetic location: 3p21.1.
Variant type: single nucleotide variant.
Coding change: c.1747T>C on transcript NM_004656.4 (MANE Select); coding-DNA position 1747, T replaced by C.
Protein change: p.Ser583Pro; replaces serine 583 with proline.
Molecular consequence: missense variant.
Genome position (GRCh38, 1-based): chr3:52,403,281, A>G on the plus strand (T>C on the coding strand, the complement: BAP1 is on the minus strand). VCF-style: chr3-52403281-A-G. GRCh37 (hg19) VCF-style: chr3-52437297-A-G.
Other names: c.1693T>C, p.Ser565Pro (NM_001410772.1); short protein forms S565P, S583P.
Identifiers: ClinVar variation 3260373 (VCV003260373.1).